The following is an entry in ClinVar:

ClinVar aggregate classification (germline): Uncertain significance (1 of 4 stars; one submission).

Submission:

Labcorp Genetics (formerly Invitae), Labcorp
Classification: Uncertain significance. Last evaluated: 2025-10-22. Review status: criteria provided, single submitter. Criteria: Invitae Variant Classification Sherloc (09022015). Collection method: clinical testing. Allele origin: germline.
Comment: This sequence change replaces arginine, which is basic and polar, with glycine, which is neutral and non-polar, at codon 209 of the TEAD1 protein (p.Arg209Gly). This variant is not present in population databases (gnomAD no frequency). This variant has not been reported in the literature in individuals affected with TEAD1-related conditions. ClinVar contains an entry for this variant (Variation ID: 857620). Invitae Evidence Modeling of protein sequence and biophysical properties (such as structural, functional, and spatial information, amino acid conservation, physicochemical variation, residue mobility, and thermodynamic stability) has been performed for this missense variant. However, the output from this modeling did not meet the statistical confidence thresholds required to predict the impact of this variant on TEAD1 protein function. In summary, the available evidence is currently insufficient to determine the role of this variant in disease. Therefore, it has been classified as a Variant of Uncertain Significance.

NM_021961.6(TEAD1):c.625C>G (p.Arg209Gly)

Gene: TEAD1 (TEA domain transcription factor 1; plus strand). Cytogenetic location: 11p15.3.
Variant type: single nucleotide variant.
Coding change: c.625C>G on transcript NM_021961.6 (MANE Select); coding-DNA position 625, C replaced by G.
Protein change: p.Arg209Gly; replaces arginine 209 with glycine.
Molecular consequence: missense variant.
Genome position (GRCh38, 1-based): chr11:12,883,051, C>G. VCF-style: chr11-12883051-C-G. GRCh37 (hg19) VCF-style: chr11-12904598-C-G.
Other names: short protein forms R209G.
Identifiers: ClinVar variation 857620 (VCV000857620.9), dbSNP rs375371397, ClinGen allele CA379712809.